The following is an entry in ClinVar:

ClinVar aggregate classification (germline): Likely benign. Review status: criteria provided, multiple submitters, no conflicts (2 of 4 stars). 3 submissions from 3 submitters: Likely benign (3). Last evaluated 2025-06-02.

Allele frequency attached by ClinVar (database versions not stated): ExAC 0.00002; gnomAD exomes 0.00004; TOPMed 0.00005; gnomAD 0.00006 and 0.00007.
gnomAD v4.1: 70 of 1,612,896 alleles (0.0043%); highest among the groups gnomAD compares: Middle Eastern, 0.016%; no homozygotes.

Submissions (3):

Labcorp Genetics (formerly Invitae), Labcorp
Classification: Likely benign. Last evaluated: 2025-06-02. Review status: criteria provided, single submitter. Criteria: Invitae Variant Classification Sherloc (09022015). Collection method: clinical testing. Allele origin: germline.

CeGaT Center for Human Genetics Tuebingen
Classification: Likely benign. Last evaluated: 2024-04-01. Review status: criteria provided, single submitter. Criteria: CeGaT Center For Human Genetics Tuebingen Variant Classification Criteria Version 2. Collection method: clinical testing. Allele origin: germline. Affected: yes. Observed: 1 variant allele.
Comment: GRM7: BP4, BP7

Breakthrough Genomics
Classification: Likely benign. Review status: criteria provided, single submitter. Criteria: ACMG Guidelines, 2015. Collection method: not provided. Allele origin: germline. Inheritance: Autosomal recessive inheritance. Affected: yes.

NM_000844.4(GRM7):c.1239C>T (p.Asp413=)

Gene: GRM7 (glutamate metabotropic receptor 7; plus strand). Cytogenetic location: 3p26.1.
Variant type: single nucleotide variant.
Coding change: c.1239C>T on transcript NM_000844.4 (MANE Select); coding-DNA position 1239, C replaced by T.
Protein change: p.Asp413=; no amino-acid change (aspartic acid 413 retained).
Molecular consequence: synonymous variant.
Genome position (GRCh38, 1-based): chr3:7,452,671, C>T. VCF-style: chr3-7452671-C-T. GRCh37 (hg19) VCF-style: chr3-7494358-C-T.
Other names: c.1239C>T, p.Asp413= (NM_181874.3).
Identifiers: ClinVar variation 748210 (VCV000748210.28), dbSNP rs773679767, ClinGen allele CA2234846.